The following is an entry in ClinVar:

ClinVar aggregate classification (germline): Uncertain significance (1 of 4 stars; one submission).

Allele frequency attached by ClinVar (database versions not stated): ExAC 0.00001; gnomAD 0.00001; gnomAD exomes 0.00001 and 0.00002; TOPMed 0.00001.
gnomAD v4.1: 11 of 1,614,114 alleles (0.00068%); highest among the groups gnomAD compares: East Asian, 0.022%; no homozygotes.

Submission:

Labcorp Genetics (formerly Invitae), Labcorp
Classification: Uncertain significance. Last evaluated: 2024-08-29. Review status: criteria provided, single submitter. Criteria: Invitae Variant Classification Sherloc (09022015). Collection method: clinical testing. Allele origin: germline.
Comment: This sequence change replaces lysine, which is basic and polar, with glutamine, which is neutral and polar, at codon 650 of the TWNK protein (p.Lys650Gln). This variant is present in population databases (rs747597649, gnomAD 0.03%). This variant has not been reported in the literature in individuals affected with TWNK-related conditions. ClinVar contains an entry for this variant (Variation ID: 1436427). Invitae Evidence Modeling of protein sequence and biophysical properties (such as structural, functional, and spatial information, amino acid conservation, physicochemical variation, residue mobility, and thermodynamic stability) has been performed for this missense variant. However, the output from this modeling did not meet the statistical confidence thresholds required to predict the impact of this variant on TWNK protein function. In summary, the available evidence is currently insufficient to determine the role of this variant in disease. Therefore, it has been classified as a Variant of Uncertain Significance.

NM_021830.5(TWNK):c.1948A>C (p.Lys650Gln)

Gene: TWNK (twinkle mtDNA helicase; plus strand). Cytogenetic location: 10q24.31.
Variant type: single nucleotide variant.
Coding change: c.1948A>C on transcript NM_021830.5 (MANE Select); coding-DNA position 1948, A replaced by C.
Protein change: p.Lys650Gln; replaces lysine 650 with glutamine.
Molecular consequence: missense variant. On other transcripts: 3 prime UTR variant (2), non-coding transcript variant (5).
Genome position (GRCh38, 1-based): chr10:100,993,403, A>C. VCF-style: chr10-100993403-A-C. GRCh37 (hg19) VCF-style: chr10-102753160-A-C.
Other names: c.*243A>C (NM_001163812.2, NM_001163814.2); c.586A>C, p.Lys196Gln (NM_001163813.2, NM_001368275.1); short protein forms K650Q, K196Q.
Identifiers: ClinVar variation 1436427 (VCV001436427.9), dbSNP rs747597649, ClinGen allele CA5653371.